The following is an entry in ClinVar:

ClinVar aggregate classification (germline): Uncertain significance (1 of 4 stars; one submission).

gnomAD v4.1: 3 of 1,613,700 alleles (0.00019%); no homozygotes.

Submission:

GeneDx
Classification: Uncertain significance. Last evaluated: 2025-01-21. Review status: criteria provided, single submitter. Criteria: GeneDx Variant Classification Process June 2021. Collection method: clinical testing. Allele origin: germline. Affected: yes.
Comment: Not observed at significant frequency in large population cohorts (gnomAD); Has not been previously published as pathogenic or benign to our knowledge; In silico analysis suggests this variant may impact gene splicing. In the absence of RNA/functional studies, the actual effect of this sequence change is unknown.

NM_138694.4(PKHD1):c.3228+4A>C

Gene: PKHD1 (PKHD1 ciliary IPT domain containing fibrocystin/polyductin; minus strand). Cytogenetic location: 6p12.2.
Variant type: single nucleotide variant.
Coding change: c.3228+4A>C on transcript NM_138694.4 (MANE Select); 4 bases into the intron after coding-DNA position 3228, A replaced by C.
Molecular consequence: intron variant.
Genome position (GRCh38, 1-based): chr6:52,035,587, T>G on the plus strand (A>C on the coding strand, the complement: PKHD1 is on the minus strand). VCF-style: chr6-52035587-T-G. GRCh37 (hg19) VCF-style: chr6-51900385-T-G.
Other names: c.3228+4A>C (NM_170724.3).
Identifiers: ClinVar variation 4070846 (VCV004070846.1).